The following is an entry in ClinVar:

NM_001134831.2(AHI1):c.653A>G (p.Tyr218Cys)

Gene: AHI1 (Abelson helper integration site 1; minus strand). Cytogenetic location: 6q23.3.
Variant type: single nucleotide variant.
Coding change: c.653A>G on transcript NM_001134831.2 (MANE Select); coding-DNA position 653, A replaced by G.
Protein change: p.Tyr218Cys; replaces tyrosine 218 with cysteine.
Molecular consequence: missense variant.
Genome position (GRCh38, 1-based): chr6:135,465,910, T>C on the plus strand (A>G on the coding strand, the complement: AHI1 is on the minus strand). VCF-style: chr6-135465910-T-C. GRCh37 (hg19) VCF-style: chr6-135787048-T-C.
Other names: c.653A>G, p.Tyr218Cys (NM_001134830.2, NM_001134832.2, NM_001350503.2 and 2 more transcripts); short protein forms Y218C.
Identifiers: ClinVar variation 445436 (VCV000445436.20), dbSNP rs183936286, ClinGen allele CA4012791.

ClinVar aggregate classification (germline): Conflicting classifications of pathogenicity. Review status: criteria provided, conflicting classifications (1 of 4 stars). 6 submissions from 6 submitters: Uncertain significance (1); Likely benign (4). 1 of the submissions does not count toward it. Last evaluated 2026-02-01.

Conditions:
Joubert syndrome 3 (JBTS3). Also called: AHI1-related Ciliopathy. Identifiers: Orphanet 220493, MedGen C1837713, MONDO:0012078, OMIM 608629.
Joubert syndrome. Also called: JOUBERT-BOLTSHAUSER SYNDROME; Familial aplasia of the vermis. Identifiers: Orphanet 475, MedGen C5979921, MONDO:0018772.
AHI1-related disorder. Also called: AHI1-related condition.

Allele frequency attached by ClinVar (database versions not stated): gnomAD 0.00009 and 0.00023; gnomAD exomes 0.00023 and 0.00053; TOPMed 0.00027; ExAC 0.00056; 1000 Genomes Project 30x 0.00234; 1000 Genomes Project 0.00240.
gnomAD v4.1: 378 of 1,596,558 alleles (0.024%); highest among the groups gnomAD compares: East Asian, 0.76%; 2 homozygotes.

Submissions (6):

Labcorp Genetics (formerly Invitae), Labcorp
Classification: Likely benign for Joubert syndrome. Last evaluated: 2026-02-01. Review status: criteria provided, single submitter. Criteria: Invitae Variant Classification Sherloc (09022015). Collection method: clinical testing. Allele origin: germline.

Blueprint Genetics
Classification: Likely benign. Last evaluated: 2024-10-28. Review status: criteria provided, single submitter. Criteria: ACMG Guidelines, 2015. Collection method: clinical testing. Allele origin: germline.

Women's Health and Genetics/Laboratory Corporation of America, LabCorp
Classification: Likely benign. Last evaluated: 2022-03-16. Review status: criteria provided, single submitter. Criteria: LabCorp Variant Classification Summary - May 2015. Collection method: clinical testing. Allele origin: germline.
Comment: Variant summary: AHI1 c.653A>G (p.Tyr218Cys) results in a non-conservative amino acid change in the encoded protein sequence. Three of five in-silico tools predict a benign effect of the variant on protein function. The variant allele was found at a frequency of 0.00053 in 238538 control chromosomes, predominantly at a frequency of 0.0069 within the East Asian subpopulation in the gnomAD database, including 1 homozygote. The observed variant frequency within East Asian control individuals in the gnomAD database is approximately 5-fold of the estimated maximal expected allele frequency for a pathogenic variant in AHI1 causing Joubert Syndrome And Related Disorders phenotype (0.0013), strongly suggesting that the variant is a benign polymorphism found primarily in populations of East Asian origin. c.653A>G has been reported in the literature in individuals affected with retinitis pigmentosa (Huang_2015, Bryant_2018). These reports do not provide unequivocal conclusions about association of the variant with Joubert Syndrome And Related Disorders. To our knowledge, no experimental evidence demonstrating an impact on protein function has been reported. Two ClinVar submitters (evaluation after 2014) cite the variant as likely benign and one ClinVar submitter (evaluation after 2014) cites it as uncertain significance. Based on the evidence outlined above, the variant was classified as likely benign.

Center for Pediatric Genomic Medicine, Children's Mercy Hospital and Clinics
Classification: Uncertain significance. Last evaluated: 2017-06-02. Review status: criteria provided, single submitter. Criteria: ACMG Guidelines, 2015. Collection method: clinical testing. Allele origin: germline.

Illumina Laboratory Services, Illumina
Classification: Likely benign for Joubert syndrome 3. Last evaluated: 2017-04-27. Review status: criteria provided, single submitter. Criteria: ICSL Variant Classification Criteria 13 December 2019. Collection method: clinical testing. Allele origin: germline.
Comment: This variant was observed as part of a predisposition screen in an ostensibly healthy population. A literature search was performed for the gene, cDNA change, and amino acid change (where applicable). Publications were found based on this search. The evidence from the literature, in combination with allele frequency data from public databases where available, was sufficient to determine this variant is unlikely to cause disease. Therefore, this variant is classified as likely benign.

PreventionGenetics, part of Exact Sciences
Classification: Likely benign for AHI1-related condition. Last evaluated: 2019-07-18. Review status: no assertion criteria provided. Collection method: clinical testing. Allele origin: germline. Not counted in ClinVar's aggregate classification.
Comment: This variant is classified as likely benign based on ACMG/AMP sequence variant interpretation guidelines (Richards et al. 2015 PMID: 25741868, with internal and published modifications).

Literature cited by the submitters: PubMed 25356976 (cited by Women's Health and Genetics/Laboratory Corporation of America, LabCorp and Illumina Laboratory Services, Illumina); PubMed 29343940 (cited by Women's Health and Genetics/Laboratory Corporation of America, LabCorp); PubMed 26035799 (cited by Women's Health and Genetics/Laboratory Corporation of America, LabCorp and Illumina Laboratory Services, Illumina); PubMed 26035800 (cited by Illumina Laboratory Services, Illumina).